The following is an entry in ClinVar:

NM_001379500.1(COL18A1):c.1359_1367dup (p.454PGP[3])

Gene: COL18A1 (collagen type XVIII alpha 1 chain; plus strand). Cytogenetic location: 21q22.3.
Variant type: Duplication.
Coding change: c.1359_1367dup on transcript NM_001379500.1 (MANE Select); coding-DNA positions 1359 to 1367, 9 bases duplicated (TCCAGGGCC; older notation c.1359_1367dupTCCAGGGCC).
Protein change: p.454PGP[3].
Molecular consequence: inframe insertion.
Genome position (GRCh38, 1-based): chr21:45,480,117-45,480,125, TCCAGGGCC duplicated; duplicating any 9 consecutive bases within chr21:45,480,111-45,480,125 gives the same sequence; the c. name uses the placement nearest the transcript's 3' end. VCF-style (leftmost placement, unchanged base first): chr21-45480110-A-AAGGGCCTCC. GRCh37 (hg19) VCF-style: chr21-46900024-A-AAGGGCCTCC.
Other names: c.1899_1907dup, p.634PGP[3] (NM_030582.4); c.2604_2612dup, p.869PGP[3] (NM_130444.3).
Identifiers: ClinVar variation 1491608 (VCV001491608.6), dbSNP rs2145934776, ClinGen allele CA2573157605.

ClinVar aggregate classification (germline): Uncertain significance (1 of 4 stars; one submission).

Submission:

Labcorp Genetics (formerly Invitae), Labcorp
Classification: Uncertain significance. Last evaluated: 2024-04-22. Review status: criteria provided, single submitter. Criteria: Invitae Variant Classification Sherloc (09022015). Collection method: clinical testing. Allele origin: germline.
Comment: This variant, c.1359_1367dup, results in the insertion of 3 amino acid(s) of the COL18A1 protein (p.Pro457_Pro459dup), but otherwise preserves the integrity of the reading frame. This variant is not present in population databases (gnomAD no frequency). This variant has not been reported in the literature in individuals affected with COL18A1-related conditions. ClinVar contains an entry for this variant (Variation ID: 1491608). Experimental studies and prediction algorithms are not available or were not evaluated, and the functional significance of this variant is currently unknown. In summary, the available evidence is currently insufficient to determine the role of this variant in disease. Therefore, it has been classified as a Variant of Uncertain Significance.